The following is an entry in ClinVar:

NM_001370259.2(MEN1):c.415C>G (p.His139Asp)

Gene: MEN1 (menin 1; minus strand). Cytogenetic location: 11q13.1.
Variant type: single nucleotide variant.
Coding change: c.415C>G on transcript NM_001370259.2 (MANE Select); coding-DNA position 415, C replaced by G.
Protein change: p.His139Asp; replaces histidine 139 with aspartic acid.
Molecular consequence: missense variant.
Genome position (GRCh38, 1-based): chr11:64,809,695, G>C on the plus strand (C>G on the coding strand, the complement: MEN1 is on the minus strand). VCF-style: chr11-64809695-G-C. GRCh37 (hg19) VCF-style: chr11-64577167-G-C.
Other names: c.415C>G, p.His139Asp (NM_000244.4, NM_001370251.2, NM_001370260.2 and 9 more transcripts); short protein forms H139D.
Identifiers: ClinVar variation 16699 (VCV000016699.13), dbSNP rs104894263, ClinGen allele CA009410.

ClinVar aggregate classification (germline): Pathogenic. Review status: criteria provided, multiple submitters, no conflicts (2 of 4 stars). 4 submissions from 4 submitters: Pathogenic (3). 1 of the submissions does not count toward it. Last evaluated 2025-01-16.

Conditions:
Hereditary cancer-predisposing syndrome. Also called: Hereditary neoplastic syndrome; Neoplastic Syndromes, Hereditary; Tumor predisposition; Hereditary Cancer Syndrome. Identifiers: Orphanet 140162, MedGen C0027672, MeSH D009386, MONDO:0015356.
Multiple endocrine neoplasia, type 1 (MEN1). Also called: MEA I; Endocrine adenomatosis multiple; MEN 1; MEN I; WERMER SYNDROME. Identifiers: Orphanet 652, MedGen C0025267, MeSH D018761, MONDO:0007540, OMIM 131100.

Submissions (4):

Labcorp Genetics (formerly Invitae), Labcorp
Classification: Pathogenic for Multiple endocrine neoplasia, type 1. Last evaluated: 2025-01-16. Review status: criteria provided, single submitter. Criteria: Invitae Variant Classification Sherloc (09022015). Collection method: clinical testing. Allele origin: germline.
Comment: This sequence change replaces histidine, which is basic and polar, with aspartic acid, which is acidic and polar, at codon 139 of the MEN1 protein (p.His139Asp). This variant is not present in population databases (gnomAD no frequency). This missense change has been observed in individuals with MEN1-related conditions (PMID: 9215689, 21917868). ClinVar contains an entry for this variant (Variation ID: 16699). Invitae Evidence Modeling of protein sequence and biophysical properties (such as structural, functional, and spatial information, amino acid conservation, physicochemical variation, residue mobility, and thermodynamic stability) indicates that this missense variant is expected to disrupt MEN1 protein function with a positive predictive value of 95%. Experimental studies have shown that this missense change affects MEN1 function (PMID: 9989505, 12509449, 14508515, 15254225, 21264250, 21819486, 22090276, 22275377, 22327296). This variant disrupts the p.His139 amino acid residue in MEN1. Other variant(s) that disrupt this residue have been determined to be pathogenic (PMID: 9215689, 30324798). This suggests that this residue is clinically significant, and that variants that disrupt this residue are likely to be disease-causing. For these reasons, this variant has been classified as Pathogenic.

Quest Diagnostics Nichols Institute San Juan Capistrano
Classification: Pathogenic. Last evaluated: 2024-01-24. Review status: criteria provided, single submitter. Criteria: Quest Diagnostics criteria. Collection method: clinical testing. Allele origin: unknown.
Comment: The MEN1 c.415C>G (p.His139Asp) variant has been reported in the published literature in affected individuals with multiple endocrine neoplasia type 1 (PMIDs: 9215689 (1997), 11134142 (2000), 15254225 (2004), 21917868 (2011), and 30324798 (2018)). Multiple functional studies have reported that this variant is damaging to protein function (PMIDs: 9989505 (1999), 12509449 (2003), 14508515 (2003), 15254225 (2004), 21264250 (2011), 21819486 (2011), 22090276 (2012), 22275377 (2012), 22327296 (2012), and 23648481 (2013)). This variant has not been reported in large, multi-ethnic general populations (Genome Aggregation Database). Analysis of this variant using bioinformatics tools for the prediction of the effect of amino acid changes on protein structure and function yielded predictions that this variant is damaging. Based on the available information, this variant is classified as pathogenic.

Ambry Genetics
Classification: Pathogenic for Hereditary cancer-predisposing syndrome. Last evaluated: 2018-12-27. Review status: criteria provided, single submitter. Criteria: Ambry Variant Classification Scheme 2023. Collection method: clinical testing. Allele origin: germline.
Comment: The p.H139D pathogenic mutation (also known as c.415C>G), located in coding exon 1 of the MEN1 gene, results from a C to G substitution at nucleotide position 415. The histidine at codon 139 is replaced by aspartic acid, an amino acid with some similar properties. This alteration has been previously identified in numerous individuals with multiple endocrine neoplasia type 1 (MEN1) (Stratakis et al. J Clin Endocrinol Metab. 2000 Dec; 85(12): 4776-80; Farrell WE et al. J Clin Endocrinol Metab. 2011 Nov;96(11):E1905-14; Ambry Internal Data). Functional studies have shown that this alteration leads to decreased MEN1 protein stability and abnormal transcriptional regulation of downstream targets (Shimazu S et al. Cancer Sci. 2011 Nov;102(11):2097-102; Agarwal SK et al. Hum Mol Genet.1997 Jul;6(7):1169-75; Canaff L et al. J Clin Endocrinol Metab. 2012 Feb;97(2):E282-91; Fang M et al. Mol. Cell. Biol., 2013 Jul;33:2635-47). Several other missense alterations at this codon (p.H139R, p.H139N, p.H139Q, p.H139P, p.H139Y) have also been identified in MEN1 probands (Mart&iacute;n-Campos JM et al. Diagn Mol Pathol. 1999 Dec;8(4):195-204; Cebri&aacute;n A et al. J Med Genet. 2003 May;40(5):e72; Concolino P et al. Cancer Genet. 2016 Jan-Feb;209(1-2):36-41; Pardi E et al. PLoS One. 2017 Oct 16;12(10):e0186485; Carvalho RA et al. Eur J Endocrinol. 2018 Dec 1;179(6):391-407). Of note, this alteration is also designated c.525C>G in the published literature. Based on the available evidence, p.H139D is classified as a pathogenic mutation.

OMIM
Classification: Pathogenic for MULTIPLE ENDOCRINE NEOPLASIA, TYPE I. Last evaluated: 2000-12-01. Review status: no assertion criteria provided. Collection method: literature only. Allele origin: germline. Not counted in ClinVar's aggregate classification.

Literature cited by the submitters: PubMed 9215689 (cited by Labcorp Genetics (formerly Invitae), Labcorp and Quest Diagnostics Nichols Institute San Juan Capistrano); PubMed 21917868 (cited by Labcorp Genetics (formerly Invitae), Labcorp and Quest Diagnostics Nichols Institute San Juan Capistrano); PubMed 9989505 (cited by Labcorp Genetics (formerly Invitae), Labcorp and Quest Diagnostics Nichols Institute San Juan Capistrano); PubMed 12509449 (cited by Labcorp Genetics (formerly Invitae), Labcorp and Quest Diagnostics Nichols Institute San Juan Capistrano); PubMed 14508515 (cited by 3 submitters); PubMed 15254225 (cited by Labcorp Genetics (formerly Invitae), Labcorp and Quest Diagnostics Nichols Institute San Juan Capistrano); PubMed 21264250 (cited by Labcorp Genetics (formerly Invitae), Labcorp and Quest Diagnostics Nichols Institute San Juan Capistrano); PubMed 21819486 (cited by Labcorp Genetics (formerly Invitae), Labcorp and Quest Diagnostics Nichols Institute San Juan Capistrano); PubMed 22090276 (cited by Labcorp Genetics (formerly Invitae), Labcorp and Quest Diagnostics Nichols Institute San Juan Capistrano); PubMed 22275377 (cited by Labcorp Genetics (formerly Invitae), Labcorp and Quest Diagnostics Nichols Institute San Juan Capistrano); PubMed 22327296 (cited by Labcorp Genetics (formerly Invitae), Labcorp and Quest Diagnostics Nichols Institute San Juan Capistrano); PubMed 30324798 (cited by Labcorp Genetics (formerly Invitae), Labcorp and Quest Diagnostics Nichols Institute San Juan Capistrano); PubMed 23648481 (cited by Quest Diagnostics Nichols Institute San Juan Capistrano and Ambry Genetics); PubMed 11134142 (cited by Quest Diagnostics Nichols Institute San Juan Capistrano and OMIM).